The following is an entry in ClinVar:

NM_001433705.1(NLRP5):c.412+81G>A

Gene: NLRP5 (NLR family pyrin domain containing 5; plus strand). Cytogenetic location: 19q13.43.
Variant type: single nucleotide variant.
Coding change: c.412+81G>A on transcript NM_001433705.1 (MANE Select); 81 bases into the intron after coding-DNA position 412, G replaced by A.
Molecular consequence: intron variant.
Genome position (GRCh38, 1-based): chr19:56,015,879, G>A. VCF-style: chr19-56015879-G-A. GRCh37 (hg19) VCF-style: chr19-56527245-G-A.
Other names: NM_153447.4:c.565+81G>A.
Identifiers: ClinVar variation 103295 (VCV000103295.2), dbSNP rs199475765, ClinGen allele CA230380.
Genomic context (GRCh38, chr19:56,015,879, plus strand): 5'-CATTTGTTGCCCTCCTGGAAGAAAGTTGGGTGAGAGAAGTTCATGTAGTTCAAAGGACGG[G>A]GAAATCCACTTTCCCTTTCTTCATCCTCATTTGTCTCTGGTGTGTGAGTCCCTCTTCCCT-3'

ClinVar aggregate classification (germline): not provided (0 of 4 stars; one submission).

Allele frequency attached by ClinVar (database versions not stated): gnomAD exomes below 0.00001; gnomAD 0.00001; TOPMed 0.00001.
gnomAD v4.1: 4 of 1,041,638 alleles (0.00038%); highest among the groups gnomAD compares: African/African-American, 0.0048%; no homozygotes.

Submission:

Human Evolutionary Genetics, Institut Pasteur
No classification provided. Review status: no classification provided. Collection method: not provided. Allele origin: germline.
ClinVar note: Converted during submission from untested to not provided.